The following is an entry in ClinVar:

ClinVar aggregate classification (germline): Pathogenic (1 of 4 stars; one submission).

Submission:

Labcorp Genetics (formerly Invitae), Labcorp
Classification: Pathogenic. Last evaluated: 2019-11-27. Review status: criteria provided, single submitter. Criteria: Invitae Variant Classification Sherloc (09022015). Collection method: clinical testing. Allele origin: germline.
Comment: A gross deletion of the genomic region encompassing the full coding sequence of the DNAAF4 gene has been identified. The boundaries of this event are unknown as the deletion extends beyond the assayed region for this gene and therefore may encompass additional genes. This variant has not been reported in the literature in individuals with DNAAF4-related conditions. Loss-of-function variants in DNAAF4 are known to be pathogenic (PMID: 23872636). For these reasons, this variant has been classified as Pathogenic.

Literature cited by the submitters: PubMed 23872636.

NC_000015.10:g.(?_55418015)_(55508896_?)del

Genes: DNAAF4 (dynein axonemal assembly factor 4; minus strand), PIERCE2 (piercer of microtubule wall 2; plus strand). Cytogenetic location: 15q21.3.
Variant type: Deletion.
Identifiers: ClinVar variation 832519 (VCV000832519.4).